The following is an entry in ClinVar:

NM_000081.4(LYST):c.7439C>A (p.Ala2480Asp)

Gene: LYST (lysosomal trafficking regulator; minus strand). Cytogenetic location: 1q42.3.
Variant type: single nucleotide variant.
Coding change: c.7439C>A on transcript NM_000081.4 (MANE Select); coding-DNA position 7439, C replaced by A.
Protein change: p.Ala2480Asp; replaces alanine 2480 with aspartic acid.
Molecular consequence: missense variant.
Genome position (GRCh38, 1-based): chr1:235,753,065, G>T on the plus strand (C>A on the coding strand, the complement: LYST is on the minus strand). VCF-style: chr1-235753065-G-T. GRCh37 (hg19) VCF-style: chr1-235916365-G-T.
Other names: p.Ala2480Asp; c.7439C>A, p.Ala2480Asp (NM_001301365.1); short protein forms A2480D.
Identifiers: ClinVar variation 580113 (VCV000580113.8), dbSNP rs147094885, ClinGen allele CA1466142.

ClinVar aggregate classification (germline): Uncertain significance. Review status: criteria provided, multiple submitters, no conflicts (2 of 4 stars). 5 submissions from 5 submitters: Uncertain significance (5). Last evaluated 2025-04-11.

Conditions:
LYST-related disorder. Also called: LYST-related condition.
Chédiak-Higashi syndrome (CHS). Also called: Chediak-Higashi Syndrome. Identifiers: Orphanet 167, MedGen C0007965, MONDO:0008963, OMIM 214500.

Allele frequency attached by ClinVar (database versions not stated): ExAC 0.00001; gnomAD exomes 0.00001; ESP Exome Variant Server 0.00008; gnomAD 0.00009.
gnomAD v4.1: 26 of 1,562,042 alleles (0.0017%); highest among the groups gnomAD compares: African/African-American, 0.024%; no homozygotes.

Submissions (5):

PreventionGenetics, part of Exact Sciences
Classification: Uncertain significance for LYST-related condition. Last evaluated: 2025-04-11. Review status: criteria provided, single submitter. Criteria: ACMG Guidelines, 2015. Collection method: clinical testing. Allele origin: germline.
Comment: The LYST c.7439C>A variant is predicted to result in the amino acid substitution p.Ala2480Asp. To our knowledge, this variant has not been reported in the literature. This variant is reported in 0.028% of alleles in individuals of African descent in gnomAD. At this time, the clinical significance of this variant is uncertain due to the absence of conclusive functional and genetic evidence.

Mayo Clinic Laboratories, Mayo Clinic
Classification: Uncertain significance. Last evaluated: 2024-10-07. Review status: criteria provided, single submitter. Criteria: ACMG Guidelines, 2015. Collection method: clinical testing. Allele origin: germline. Observed: 1 variant allele.
Comment: PM2_supporting

Labcorp Genetics (formerly Invitae), Labcorp
Classification: Uncertain significance for Chédiak-Higashi syndrome. Last evaluated: 2022-08-23. Review status: criteria provided, single submitter. Criteria: Invitae Variant Classification Sherloc (09022015). Collection method: clinical testing. Allele origin: germline.
Comment: This sequence change replaces alanine, which is neutral and non-polar, with aspartic acid, which is acidic and polar, at codon 2480 of the LYST protein (p.Ala2480Asp). This variant is present in population databases (rs147094885, gnomAD 0.03%). This variant has not been reported in the literature in individuals affected with LYST-related conditions. ClinVar contains an entry for this variant (Variation ID: 580113). Algorithms developed to predict the effect of missense changes on protein structure and function are either unavailable or do not agree on the potential impact of this missense change (SIFT: "Tolerated"; PolyPhen-2: "Possibly Damaging"; Align-GVGD: "Class C0"). In summary, the available evidence is currently insufficient to determine the role of this variant in disease. Therefore, it has been classified as a Variant of Uncertain Significance.

Revvity Omics, Revvity
Classification: Uncertain significance for Chédiak-Higashi syndrome. Last evaluated: 2020-03-05. Review status: criteria provided, single submitter. Criteria: ACMG Guidelines, 2015. Collection method: clinical testing. Allele origin: germline.

Breakthrough Genomics
Classification: Uncertain significance. Review status: criteria provided, single submitter. Criteria: ACMG Guidelines, 2015. Collection method: not provided. Allele origin: germline. Inheritance: Autosomal recessive inheritance. Affected: yes.